The following is an entry in ClinVar:

NM_031407.7(HUWE1):c.2971+19A>T

Gene: HUWE1 (HECT, UBA and WWE domain containing E3 ubiquitin protein ligase 1; minus strand). Cytogenetic location: Xp11.22.
Variant type: single nucleotide variant.
Coding change: c.2971+19A>T on transcript NM_031407.7 (MANE Select); 19 bases into the intron after coding-DNA position 2971, A replaced by T.
Molecular consequence: intron variant.
Genome position (GRCh38, 1-based): chrX:53,602,545, T>A on the plus strand (A>T on the coding strand, the complement: HUWE1 is on the minus strand). VCF-style: chrX-53602545-T-A. GRCh37 (hg19) VCF-style: chrX-53629506-T-A.
Identifiers: ClinVar variation 1343718 (VCV001343718.2), dbSNP rs2148634889, ClinGen allele CA2573055369.
Genomic context (GRCh38, chrX:53,602,545, plus strand): 5'-AAATTTTCATAATAAACCTATAAAGACGTAGGAACAAAACTTAGAAGTAATGACTAACAT[T>A]TTAGTTTCTTAGAGTTACCTGATCTTTTTCCGCCCTGGGTCGTACCTGCCTTCTCATCCT-3'

ClinVar aggregate classification (germline): Likely benign (1 of 4 stars; one submission).

Submission:

Women's Health and Genetics/Laboratory Corporation of America, LabCorp
Classification: Likely benign. Last evaluated: 2023-09-15. Review status: criteria provided, single submitter. Criteria: LabCorp Variant Classification Summary - May 2015. Collection method: clinical testing. Allele origin: germline.
Comment: Variant summary: HUWE1 c.2971+19A>T alters a non-conserved nucleotide located at a position not widely known to affect splicing. Consensus agreement among computation tools predict no significant impact on normal splicing. However, these predictions have yet to be confirmed by functional studies. The variant was absent in 170755 control chromosomes (gnomAD). The available data on variant occurrences in the general population are insufficient to allow any conclusion about variant significance. To our knowledge, no occurrence of c.2971+19A>T in individuals affected with Intellectual Disability, X-Linked Syndromic, Turner Type and no experimental evidence demonstrating its impact on protein function have been reported. No submitters have cited clinical-significance assessments for this variant to ClinVar after 2014. Based on the evidence outlined above, the variant was classified as likely benign.